The following is an entry in ClinVar:

ClinVar aggregate classification (germline): Likely benign. Review status: criteria provided, single submitter (1 of 4 stars). 2 submissions from 2 submitters: Likely benign (1). 1 of the submissions does not count toward it. Last evaluated 2024-06-28.

Conditions:
B3GLCT-related disorder. Also called: B3GLCT-related condition.
Peters plus syndrome. Also called: KRAUSE-KIVLIN SYNDROME. Identifiers: Orphanet 709, MedGen C0796012, MONDO:0009856, OMIM 261540.

Allele frequency attached by ClinVar (database versions not stated): ExAC 0.00001; gnomAD exomes 0.00001.
gnomAD v4.1: 4 of 1,614,060 alleles (0.00025%); highest among the groups gnomAD compares: Admixed American, 0.0067%; no homozygotes.

Submissions (2):

Labcorp Genetics (formerly Invitae), Labcorp
Classification: Likely benign for Peters plus syndrome. Last evaluated: 2024-06-28. Review status: criteria provided, single submitter. Criteria: Invitae Variant Classification Sherloc (09022015). Collection method: clinical testing. Allele origin: germline.

PreventionGenetics, part of Exact Sciences
Classification: Likely benign for B3GLCT-related condition. Last evaluated: 2020-11-24. Review status: no assertion criteria provided. Collection method: clinical testing. Allele origin: germline. Not counted in ClinVar's aggregate classification.
Comment: This variant is classified as likely benign based on ACMG/AMP sequence variant interpretation guidelines (Richards et al. 2015 PMID: 25741868, with internal and published modifications).

NM_194318.4(B3GLCT):c.1144C>T (p.Leu382=)

Gene: B3GLCT (beta 3-glucosyltransferase; plus strand). Cytogenetic location: 13q12.3.
Variant type: single nucleotide variant.
Coding change: c.1144C>T on transcript NM_194318.4 (MANE Select); coding-DNA position 1144, C replaced by T.
Protein change: p.Leu382=; no amino-acid change (leucine 382 retained).
Molecular consequence: synonymous variant.
Genome position (GRCh38, 1-based): chr13:31,317,645, C>T. VCF-style: chr13-31317645-C-T. GRCh37 (hg19) VCF-style: chr13-31891782-C-T.
Identifiers: ClinVar variation 718526 (VCV000718526.9), dbSNP rs771937233, ClinGen allele CA6936830.
Genomic context (GRCh38, chr13:31,317,645, plus strand): 5'-TTGCTTAGCTGTTATGACTCCGGCGAGCCTGTGTTTCTGGGAGAGCGCTACGGCTACGGC[C>T]TGGGCACTGGTGGCTACAGCTACATCACGGGAGGAGGAGGGTAACTATGATCACAGCTTT-3'
Protein context (NP_919299.3, residues 372-392): VFLGERYGYG[Leu382=]GTGGYSYITG